The following is an entry in ClinVar:

NM_005228.5(EGFR):c.2062-3del

Gene: EGFR (epidermal growth factor receptor; plus strand). Cytogenetic location: 7p11.2.
Variant type: Deletion.
Coding change: c.2062-3del on transcript NM_005228.5 (MANE Select); 3 bases into the intron before coding-DNA position 2062, one base deleted (C; older notation c.2062-3delC).
Molecular consequence: intron variant.
Genome position (GRCh38, 1-based): chr7:55,173,918, C deleted; the last of 7 consecutive C bases (chr7:55,173,912-55,173,918); deleting any one gives the same sequence. VCF-style (leftmost placement, unchanged base first): chr7-55173911-TC-T. GRCh37 (hg19) VCF-style: chr7-55241604-TC-T.
Other names: c.2062-3delC (NM_005228.3); c.1927-3del (NM_001346899.2, NM_001346897.2); c.1261-3del (NM_001346941.2); c.2062-3del (NM_001346898.2); c.1903-3del (NM_001346900.2).
Identifiers: ClinVar variation 1046363 (VCV001046363.10), dbSNP rs770889681, ClinGen allele CA4265972.

ClinVar aggregate classification (germline): Conflicting classifications of pathogenicity. Review status: criteria provided, conflicting classifications (1 of 4 stars). 3 submissions from 3 submitters: Uncertain significance (1); Likely benign (2). Last evaluated 2025-12-01.

Conditions:
Lung cancer. Also called: Malignant tumor of lung; Lung cancer, somatic. Identifiers: MedGen C0242379, MONDO:0008903, OMIM 211980.
Hereditary cancer-predisposing syndrome. Also called: Hereditary Cancer Syndrome; Tumor predisposition; Hereditary neoplastic syndrome; Neoplastic Syndromes, Hereditary. Identifiers: Orphanet 140162, MedGen C0027672, MeSH D009386, MONDO:0015356.
EGFR-related lung cancer (EGFR). Identifiers: MedGen CN130014.

Submissions (3):

Labcorp Genetics (formerly Invitae), Labcorp
Classification: Uncertain significance for EGFR-related lung cancer. Last evaluated: 2025-12-01. Review status: criteria provided, single submitter. Criteria: Invitae Variant Classification Sherloc (09022015). Collection method: clinical testing. Allele origin: germline.
Comment: This sequence change falls in intron 17 of the EGFR gene. It does not directly change the encoded amino acid sequence of the EGFR protein. It affects a nucleotide within the consensus splice site. This variant is present in population databases (rs776967203, gnomAD 0.0009%). This variant has not been reported in the literature in individuals affected with EGFR-related conditions. ClinVar contains an entry for this variant (Variation ID: 1046363). Variants that disrupt the consensus splice site are a relatively common cause of aberrant splicing (PMID: 17576681, 9536098). Algorithms developed to predict the effect of sequence changes on RNA splicing suggest that this variant is not likely to affect RNA splicing. In summary, the available evidence is currently insufficient to determine the role of this variant in disease. Therefore, it has been classified as a Variant of Uncertain Significance.

Ambry Genetics
Classification: Likely benign for Hereditary cancer-predisposing syndrome. Last evaluated: 2025-06-27. Review status: criteria provided, single submitter. Criteria: Ambry Variant Classification Scheme 2023. Collection method: clinical testing. Allele origin: germline.

Myriad Genetics, Inc.
Classification: Likely benign for Lung cancer. Last evaluated: 2024-10-16. Review status: criteria provided, single submitter. Criteria: Myriad Autosomal Dominant, Autosomal Recessive and X-Linked Classification Criteria (2023). Collection method: clinical testing. Allele origin: unknown.
Comment: This variant is considered likely benign. This variant is intronic and is not expected to impact mRNA splicing.

Literature cited by the submitters: PubMed 17576681 (cited by Labcorp Genetics (formerly Invitae), Labcorp); PubMed 9536098 (cited by Labcorp Genetics (formerly Invitae), Labcorp).